The following is an entry in ClinVar:

ClinVar aggregate classification (germline): Uncertain significance (1 of 4 stars; one submission).

Conditions:
PKHD1-related disorder. Also called: PKHD1-related condition.

gnomAD v4.1: 1 of 1,612,336 alleles (0.000062%); highest among the groups gnomAD compares: Non-Finnish European, 0.000085%; no homozygotes.

Submission:

PreventionGenetics, part of Exact Sciences
Classification: Uncertain significance for PKHD1-related condition. Last evaluated: 2025-10-12. Review status: criteria provided, single submitter. Criteria: ACMG Guidelines, 2015. Collection method: clinical testing. Allele origin: germline.
Comment: The PKHD1 c.7141C>T variant is predicted to result in the amino acid substitution p.Pro2381Ser. To our knowledge, this variant has not been reported in the literature or in a large population database (gnomAD), indicating this variant is rare. At this time, the clinical significance of this variant is uncertain due to the absence of conclusive functional and genetic evidence.

NM_138694.4(PKHD1):c.7141C>T (p.Pro2381Ser)

Gene: PKHD1 (PKHD1 ciliary IPT domain containing fibrocystin/polyductin; minus strand). Cytogenetic location: 6p12.2.
Variant type: single nucleotide variant.
Coding change: c.7141C>T on transcript NM_138694.4 (MANE Select); coding-DNA position 7141, C replaced by T.
Protein change: p.Pro2381Ser; replaces proline 2381 with serine.
Molecular consequence: missense variant.
Genome position (GRCh38, 1-based): chr6:51,885,941, G>A on the plus strand (C>T on the coding strand, the complement: PKHD1 is on the minus strand). VCF-style: chr6-51885941-G-A. GRCh37 (hg19) VCF-style: chr6-51750739-G-A.
Other names: c.7141C>T, p.Pro2381Ser (NM_170724.3); short protein forms P2381S.
Identifiers: ClinVar variation 4994527 (VCV004994527.1).